The following is an entry in ClinVar:

NM_001142800.2(EYS):c.2023+5G>A

Gene: EYS (eyes shut homolog; minus strand). Cytogenetic location: 6q12.
Variant type: single nucleotide variant.
Coding change: c.2023+5G>A on transcript NM_001142800.2 (MANE Select); 5 bases into the intron after coding-DNA position 2023, G replaced by A.
Molecular consequence: intron variant.
Genome position (GRCh38, 1-based): chr6:65,295,858, C>T on the plus strand (G>A on the coding strand, the complement: EYS is on the minus strand). VCF-style: chr6-65295858-C-T. GRCh37 (hg19) VCF-style: chr6-66005751-C-T.
Other names: c.2023+5G>A (NM_001292009.2).
Identifiers: ClinVar variation 1065673 (VCV001065673.4), dbSNP rs1287889008, ClinGen allele CA568117507.

ClinVar aggregate classification (germline): Uncertain significance. Review status: criteria provided, multiple submitters, no conflicts (2 of 4 stars). 2 submissions from 2 submitters: Uncertain significance (2). Last evaluated 2022-04-13.

Conditions:
Retinitis pigmentosa 25 (RP25). Identifiers: Orphanet 791, MedGen C1864446, MONDO:0011272, OMIM 602772.

Allele frequency attached by ClinVar (database versions not stated): gnomAD exomes below 0.00001; TOPMed below 0.00001; gnomAD 0.00001.
gnomAD v4.1: 4 of 1,477,184 alleles (0.00027%); highest among the groups gnomAD compares: Non-Finnish European, 0.00036%; no homozygotes.

Submissions (2):

Labcorp Genetics (formerly Invitae), Labcorp
Classification: Uncertain significance. Last evaluated: 2022-04-13. Review status: criteria provided, single submitter. Criteria: Invitae Variant Classification Sherloc (09022015). Collection method: clinical testing. Allele origin: germline.
Comment: This sequence change falls in intron 12 of the EYS gene. It does not directly change the encoded amino acid sequence of the EYS protein. It affects a nucleotide within the consensus splice site. The frequency data for this variant in the population databases is considered unreliable, as metrics indicate poor data quality at this position in the gnomAD database. This variant has not been reported in the literature in individuals affected with EYS-related conditions. ClinVar contains an entry for this variant (Variation ID: 1065673). Variants that disrupt the consensus splice site are a relatively common cause of aberrant splicing (PMID: 17576681, 9536098). Algorithms developed to predict the effect of sequence changes on RNA splicing suggest that this variant may disrupt the consensus splice site. This variant disrupts the c.2023+5G nucleotide in the EYS gene. Other variant(s) that disrupt this nucleotide have been determined to be pathogenic (PMID: 30718709; Invitae). This suggests that this nucleotide is clinically significant, and that variants that disrupt this position are likely to be disease-causing. In summary, the available evidence is currently insufficient to determine the role of this variant in disease. Therefore, it has been classified as a Variant of Uncertain Significance.

Ocular Genomics Institute, Massachusetts Eye and Ear
Classification: Uncertain significance for Retinitis pigmentosa 25. Last evaluated: 2021-04-08. Review status: criteria provided, single submitter. Criteria: ACMG Guidelines, 2015. Collection method: research. Allele origin: germline. Affected: yes.
Comment: Through a review of available evidence we were able to apply the following criteria: PM2. Based on this evidence we have classified this variant as Variant of Uncertain Significance.

Literature cited by the submitters: PubMed 17576681 (cited by Labcorp Genetics (formerly Invitae), Labcorp); PubMed 9536098 (cited by Labcorp Genetics (formerly Invitae), Labcorp); PubMed 30718709 (cited by Labcorp Genetics (formerly Invitae), Labcorp).